The following is an entry in ClinVar:

ClinVar aggregate classification (germline): Uncertain significance. Review status: reviewed by expert panel (3 of 4 stars). 11 submissions from 10 submitters: Uncertain significance (1). 10 of the submissions do not count toward it. Last evaluated 2025-08-01.

Conditions:
RYR1-related disorder. Also called: RYR1-related disorders; RYR1-related condition. Identifiers: MedGen CN239331.
Congenital multicore myopathy with external ophthalmoplegia (CMYO1B). Also called: Minicore myopathy with external ophthalmoplegia; MULTIMINICORE DISEASE WITH EXTERNAL OPHTHALMOPLEGIA; Congenital myopathy 1B, autosomal recessive; Minicore myopathy; MULTICORE MYOPATHY. Identifiers: Orphanet 598, Orphanet 98905, MedGen C1850674, MONDO:0009712, OMIM 255320, HP:0003789.
Malignant hyperthermia, susceptibility to, 1 (MHS1). Also called: Anesthesia related hyperthermia; Malignant hyperpyrexia; Fulminating hyperpyrexia; Pharmacogenic myopathy; RYR1-Related Malignant Hyperthermia Susceptibility; Malignant hyperthermia suceptibility 1. Identifiers: Orphanet 423, MedGen C2930980, MONDO:0007783, OMIM 145600.

Allele frequency attached by ClinVar (database versions not stated): TOPMed 0.00004; gnomAD 0.00006.
gnomAD v4.1: 235 of 1,611,932 alleles (0.015%); highest among the groups gnomAD compares: Non-Finnish European, 0.018%; no homozygotes.

Submissions (11):

ClinGen Malignant Hyperthermia Susceptibility Variant Curation Expert Panel, ClinGen
Classification: Uncertain significance for Malignant hyperthermia, susceptibility to, 1. Last evaluated: 2025-08-01. Review status: reviewed by expert panel. Criteria: ClinGen MHS ACMG Specifications V2. Collection method: curation. Allele origin: germline. Inheritance: Autosomal dominant inheritance. Study: ClinGen.
Comment: This pathogenicity assessment is relevant only for malignant hyperthermia susceptibility (MHS) inherited in an autosomal dominant pattern. Variants in RYR1 can also cause other myopathies inherited in an autosomal dominant pattern or in an autosomal recessive pattern. Some of these disorders may predispose individuals to malignant hyperthermia. RYR1 variants may also contribute to a malignant hyperthermia reaction in combination with other genetic and non-genetic factors and the clinician needs to consider such factors in making management decisions. This sequence variant predicts a substitution of Threonine with Asparagine at codon 51 of the RYR1 protein, p.(Thr51Asn). The maximum allele frequency for this variant among the six major gnomAD populations is NFE: 0.00012 (15 alleles), a frequency consistent with pathogenicity for MHS. This variant has been reported in an individual with a personal or family history of an MH episode and a positive in vitro contracture test (IVCT) or caffeine halothane contracture test (CHCT) result (if the proband was unavailable for testing, a positive diagnostic test result in a mutation-positive relative was counted), (PMID:18564801 ). However, the high MAF in the NFE population in gnomAD precludes the use of PS4. No functional studies were identified for this variant. This variant resides in a region of RYR1 considered to be a hotspot for pathogenic variants that contribute to MHS, PM1 (PMID: 21118704).This variant segregates with MHS in 1 individual (PMID:18564801). A REVEL score of 0.769 supports neither a pathogenic nor a benign status for this variant. This variant has been classified as a Variant of Unknown Significance. Criteria implemented: PM1.

PreventionGenetics, part of Exact Sciences
Classification: Uncertain significance for RYR1-related condition. Last evaluated: 2026-03-18. Review status: criteria provided, single submitter. Criteria: ACMG Guidelines, 2015. Collection method: clinical testing. Allele origin: germline. Not counted in ClinVar's aggregate classification.
Comment: The RYR1 c.152C>A variant is predicted to result in the amino acid substitution p.Thr51Asn. This variant was reported in an individual with malignant hyperthermia (Gillies et al. 2008. PubMed ID: 18564801). This variant is located with a region considered to be a hot spot (Witherspoon and Meilleur. 2016. PubMed ID: 27855725). This variant is reported in 0.012% of alleles in individuals of European (Non-Finnish) descent in gnomAD and has been classified as variant of uncertain clinical significance in Clinvar by the ClinGen Malignant Hyperthermia Susceptibility Variant Curation Expert Panel (Variation ID: 133099). At this time, the clinical significance of this variant is uncertain due to the absence of conclusive functional and genetic evidence.

Women's Health and Genetics/Laboratory Corporation of America, LabCorp
Classification: Uncertain significance. Last evaluated: 2025-06-20. Review status: criteria provided, single submitter. Criteria: LabCorp Variant Classification Summary - May 2015. Collection method: clinical testing. Allele origin: germline. Not counted in ClinVar's aggregate classification.
Comment: Variant summary: RYR1 c.152C>A (p.Thr51Asn) results in a non-conservative amino acid change in the encoded protein sequence. Algorithms developed to predict the effect of missense changes on protein structure and function all suggest that this variant is likely to be disruptive. The variant allele was found at a frequency of 5.3e-05 in 243498 control chromosomes. This frequency is not significantly higher than estimated for a pathogenic variant in RYR1 causing Malignant hyperthermia susceptibility (5.3e-05 vs 6.7e-05), allowing no conclusion about variant significance. c.152C>A has been observed in individual(s) with Malignant hyperthermia susceptibility, however it was found in cis with a second variant of uncertain significance (Gillies_2008). It has also been observed in a setting of WES in a large Icelandic cohort, where it was reported as a VUS in two heterozygous individuals, one described as having congenital myopathy, and the other with myasthenia gravis and/or other myoneural disorders (Jensson_2023). These report(s) do not provide unequivocal conclusions about association of the variant with Malignant hyperthermia susceptibility or other RYR1-related disorders. To our knowledge, no experimental evidence demonstrating an impact on protein function has been reported. The following publications have been ascertained in the context of this evaluation (PMID: 18564801, 37937776, 33767344). ClinVar contains an entry for this variant (Variation ID: 133099). Based on the evidence outlined above, the variant was classified as uncertain significance.

Labcorp Genetics (formerly Invitae), Labcorp
Classification: Uncertain significance for RYR1-related disorder. Last evaluated: 2025-01-29. Review status: criteria provided, single submitter. Criteria: Invitae Variant Classification Sherloc (09022015). Collection method: clinical testing. Allele origin: germline. Not counted in ClinVar's aggregate classification.
Comment: This sequence change replaces threonine, which is neutral and polar, with asparagine, which is neutral and polar, at codon 51 of the RYR1 protein (p.Thr51Asn). This variant is present in population databases (rs193922749, gnomAD 0.01%). This missense change has been observed in individual(s) with malignant hyperthermia susceptibility (PMID: 18564801, 37937776). ClinVar contains an entry for this variant (Variation ID: 133099). Invitae Evidence Modeling of protein sequence and biophysical properties (such as structural, functional, and spatial information, amino acid conservation, physicochemical variation, residue mobility, and thermodynamic stability) indicates that this missense variant is expected to disrupt RYR1 protein function with a positive predictive value of 95%. In summary, the available evidence is currently insufficient to determine the role of this variant in disease. Therefore, it has been classified as a Variant of Uncertain Significance.

Revvity Omics, Revvity
Classification: Uncertain significance. Last evaluated: 2024-09-23. Review status: criteria provided, single submitter. Criteria: ACMG Guidelines, 2015. Collection method: clinical testing. Allele origin: germline. Not counted in ClinVar's aggregate classification.

All of Us Research Program, National Institutes of Health
Classification: Uncertain significance for Malignant hyperthermia, susceptibility to, 1. Last evaluated: 2024-08-06. Review status: criteria provided, single submitter. Criteria: ACMG Guidelines, 2015. Collection method: clinical testing. Allele origin: germline. Inheritance: Autosomal dominant inheritance. Observed: 34 variant alleles, 34 heterozygotes. Not counted in ClinVar's aggregate classification.
Comment: This missense variant replaces threonine with asparagine at codon 51 of the RYR1 protein. Computational prediction suggests that this variant may have deleterious impact on protein structure and function (internally defined REVEL score threshold >= 0.7, PMID: 27666373). Although functional studies have not been reported for this variant, it occurs in a region of RYR1 considered to be a hotspot for pathogenic variants that contribute to malignant hyperthermia susceptibility (PMID: 21118704). This variant has been reported in an individual affected with malignant hyperthermia susceptibility with a personal history of a malignant hyperthermia episode (PMID: 18564801). This variant has been identified in 15/274886 chromosomes in the general population by the Genome Aggregation Database (gnomAD). The available evidence is insufficient to determine the role of this variant in disease conclusively. Therefore, this variant is classified as a Variant of Uncertain Significance.

This study involves interpretation of variants in research participants for the purpose of population health screening. Participant phenotype was not available at the time of variant classification. Additional details can be found in publication PMID: 35346344, PMCID: PMC8962531

Color Diagnostics, LLC DBA Color Health
Classification: Uncertain significance for Malignant hyperthermia, susceptibility to, 1. Last evaluated: 2024-03-07. Review status: criteria provided, single submitter. Criteria: ACMG Guidelines, 2015. Collection method: clinical testing. Allele origin: germline. Not counted in ClinVar's aggregate classification.
Comment: This missense variant replaces threonine with asparagine at codon 51 of the RYR1 protein. Computational prediction suggests that this variant may have deleterious impact on protein structure and function. Although functional studies have not been reported for this variant, it occurs in a region of RYR1 considered to be a hotspot for pathogenic variants that contribute to malignant hyperthermia susceptibility (PMID: 21118704). This variant has been reported in an individual affected with malignant hyperthermia susceptibility with a personal history of a malignant hyperthermia episode (PMID: 18564801). This variant has been identified in 15/274886 chromosomes in the general population by the Genome Aggregation Database (gnomAD). The available evidence is insufficient to determine the role of this variant in disease conclusively. Therefore, this variant is classified as a Variant of Uncertain Significance.

Illumina Laboratory Services, Illumina
Classification: Likely benign for Malignant hyperthermia, susceptibility to, 1. Last evaluated: 2017-10-04. Review status: criteria provided, single submitter. Criteria: ICSL Variant Classification Criteria 13 December 2019. Collection method: clinical testing. Allele origin: germline. Not counted in ClinVar's aggregate classification.
Comment: This variant was observed as part of a predisposition screen in an ostensibly healthy population. A literature search was performed for the gene, cDNA change, and amino acid change (where applicable). Publications were found based on this search. The evidence from the literature, in combination with allele frequency data from public databases where available, was sufficient to determine this variant is unlikely to cause disease. Therefore, this variant is classified as likely benign.

Illumina Laboratory Services, Illumina
Classification: Uncertain significance for Congenital multicore myopathy with external ophthalmoplegia. Last evaluated: 2017-10-04. Review status: criteria provided, single submitter. Criteria: ICSL Variant Classification Criteria 13 December 2019. Collection method: clinical testing. Allele origin: germline. Not counted in ClinVar's aggregate classification.

Eurofins Ntd Llc (ga)
Classification: Uncertain significance. Last evaluated: 2014-04-30. Review status: criteria provided, single submitter. Criteria: EGL Classification Definitions 2015. Collection method: clinical testing. Allele origin: germline. Observed: 2 variant alleles, 2 heterozygotes. Not counted in ClinVar's aggregate classification.

RYR1 database
No classification provided. Review status: no classification provided. Collection method: not provided. Allele origin: unknown. Not counted in ClinVar's aggregate classification.

Literature cited by the submitters: PubMed 33767344 (cited by Women's Health and Genetics/Laboratory Corporation of America, LabCorp); PubMed 37937776 (cited by Women's Health and Genetics/Laboratory Corporation of America, LabCorp and Labcorp Genetics (formerly Invitae), Labcorp); PubMed 18564801 (cited by 6 submitters); PubMed 21118704 (cited by All of Us Research Program, National Institutes of Health and Color Diagnostics, LLC DBA Color Health).

NM_000540.3(RYR1):c.152C>A (p.Thr51Asn)

Gene: RYR1 (ryanodine receptor 1; plus strand). Cytogenetic location: 19q13.2.
Variant type: single nucleotide variant.
Coding change: c.152C>A on transcript NM_000540.3 (MANE Select); coding-DNA position 152, C replaced by A.
Protein change: p.Thr51Asn; replaces threonine 51 with asparagine.
Molecular consequence: missense variant.
Genome position (GRCh38, 1-based): chr19:38,440,851, C>A. VCF-style: chr19-38440851-C-A. GRCh37 (hg19) VCF-style: chr19-38931491-C-A.
Other names: NM_000540.2(RYR1):c.152C>A; NM_000540.3(RYR1):c.152C>A; c.152C>A, p.Thr51Asn (NM_001042723.2); short protein forms T51N.
Identifiers: ClinVar variation 133099 (VCV000133099.23), dbSNP rs193922749, ClinGen allele CA024282.
Genomic context (GRCh38, chr19:38,440,851, plus strand): 5'-AGCTCAAGCTCTGCCTGGCCGCCGAGGGCTTCGGCAACCGCCTGTGCTTCCTGGAGCCCA[C>A]TAGCAACGCGCAGGTCTGTGCAGGAGGGAGAGGGGCCTGGGGACAGGGGCGTCTGAAGGG-3'
Protein context (NP_000531.2, residues 41-61): FGNRLCFLEP[Thr51Asn]SNAQNVPPDL